The following is an entry in ClinVar:

NM_001374259.2(IL12RB2):c.968G>A (p.Gly323Glu)

Gene: IL12RB2 (interleukin 12 receptor subunit beta 2; plus strand). Cytogenetic location: 1p31.3.
Variant type: single nucleotide variant.
Coding change: c.968G>A on transcript NM_001374259.2 (MANE Select); coding-DNA position 968, G replaced by A.
Protein change: p.Gly323Glu; replaces glycine 323 with glutamic acid.
Molecular consequence: missense variant. On other transcripts: non-coding transcript variant (2).
Genome position (GRCh38, 1-based): chr1:67,338,633, G>A. VCF-style: chr1-67338633-G-A. GRCh37 (hg19) VCF-style: chr1-67804316-G-A.
Other names: c.968G>A, p.Gly323Glu (NM_001258214.1, NM_001258215.1, NM_001258216.1 and 2 more transcripts); c.968G>A (NM_001559.2); short protein forms G323E.
Identifiers: ClinVar variation 2961369 (VCV002961369.4), dbSNP rs772290732, ClinGen allele CA900353.
Genomic context (GRCh38, chr1:67,338,633, plus strand): 5'-TTCAAAGTAGTAAATATATGAAAATATGTCTTTTTTTCTCCTTTGAAACAGAGCCTACTG[G>A]GATGTTAGATGTCTGGTACATGAAACGGCACATTGACTACAGTAGACAACAGATTTCTCT-3'
Protein context (NP_001361188.1, residues 313-333): RAQTPEEEPT[Gly323Glu]MLDVWYMKRH

ClinVar aggregate classification (germline): Uncertain significance. Review status: criteria provided, multiple submitters, no conflicts (2 of 4 stars). 2 submissions from 2 submitters: Uncertain significance (2). Last evaluated 2025-08-13.

Allele frequency attached by ClinVar (database versions not stated): gnomAD exomes 0.00001; ExAC 0.00002.
gnomAD v4.1: 7 of 1,479,222 alleles (0.00047%); highest among the groups gnomAD compares: Non-Finnish European, 0.00066%; no homozygotes.

Submissions (2):

Ambry Genetics
Classification: Uncertain significance. Last evaluated: 2025-08-13. Review status: criteria provided, single submitter. Criteria: Ambry Variant Classification Scheme 2023. Collection method: clinical testing. Allele origin: germline.

Labcorp Genetics (formerly Invitae), Labcorp
Classification: Uncertain significance. Last evaluated: 2024-09-21. Review status: criteria provided, single submitter. Criteria: Invitae Variant Classification Sherloc (09022015). Collection method: clinical testing. Allele origin: germline.
Comment: This sequence change replaces glycine, which is neutral and non-polar, with glutamic acid, which is acidic and polar, at codon 323 of the IL12RB2 protein (p.Gly323Glu). This variant is present in population databases (rs772290732, gnomAD 0.003%). This variant has not been reported in the literature in individuals affected with IL12RB2-related conditions. An algorithm developed to predict the effect of missense changes on protein structure and function (PolyPhen-2) suggests that this variant is likely to be disruptive. In summary, the available evidence is currently insufficient to determine the role of this variant in disease. Therefore, it has been classified as a Variant of Uncertain Significance.